The following is an entry in ClinVar:

ClinVar aggregate classification (germline): Benign/Likely benign. Review status: criteria provided, multiple submitters, no conflicts (2 of 4 stars). 2 submissions from 2 submitters: Benign (1); Likely benign (1). Last evaluated 2024-02-15.

Allele frequency attached by ClinVar (database versions not stated): ExAC 0.00007; ESP Exome Variant Server 0.00008; gnomAD exomes 0.00008 and 0.00020; TOPMed 0.00013; 1000 Genomes Project 30x 0.00016; gnomAD 0.00018 and 0.00019; 1000 Genomes Project 0.00020.
gnomAD v4.1: 307 of 1,542,688 alleles (0.02%); highest among the groups gnomAD compares: Non-Finnish European, 0.024%; no homozygotes.

Submissions (2):

Blueprint Genetics
Classification: Likely benign. Last evaluated: 2024-02-15. Review status: criteria provided, single submitter. Criteria: ACMG Guidelines, 2015. Collection method: clinical testing. Allele origin: germline.

GeneDx
Classification: Benign. Last evaluated: 2015-07-07. Review status: criteria provided, single submitter. Criteria: GeneDx Variant Classification (06012015). Collection method: clinical testing. Allele origin: germline. Affected: yes.
Comment: This variant is considered likely benign or benign based on one or more of the following criteria: it is a conservative change, it occurs at a poorly conserved position in the protein, it is predicted to be benign by multiple in silico algorithms, and/or has population frequency not consistent with disease.

NM_001148.6(ANK2):c.-18C>G

Gene: ANK2 (ankyrin 2; plus strand). Cytogenetic location: 4q25.
Variant type: single nucleotide variant.
Coding change: c.-18C>G on transcript NM_001148.6 (MANE Select); 18 bases upstream of the start codon, C replaced by G.
Molecular consequence: 5 prime UTR variant. On other transcripts: intron variant (43).
Genome position (GRCh38, 1-based): chr4:113,049,711, C>G. VCF-style: chr4-113049711-C-G. GRCh37 (hg19) VCF-style: chr4-113970867-C-G.
Other names: c.-18C>G (NM_001354225.2, NM_001354228.2, NM_001354232.2 and 10 more transcripts); c.73-124705C>G (NM_001386186.2, NM_001386148.2, NM_001354269.3 and 1 more transcripts); c.22-101369C>G (NM_001386147.1, NM_001386160.1, NM_001354261.2); c.22-124705C>G (NM_001354254.2, NM_001354239.2, NM_001354252.2 and 33 more transcripts).
Identifiers: ClinVar variation 377468 (VCV000377468.2), dbSNP rs201646790, ClinGen allele CA3049832.